The following is an entry in ClinVar:

NM_000883.4(IMPDH1):c.569G>T (p.Arg190Leu)

Gene: IMPDH1 (inosine monophosphate dehydrogenase 1; minus strand). Cytogenetic location: 7q32.1.
Variant type: single nucleotide variant.
Coding change: c.569G>T on transcript NM_000883.4 (MANE Select); coding-DNA position 569, G replaced by T.
Protein change: p.Arg190Leu; replaces arginine 190 with leucine.
Molecular consequence: missense variant. On other transcripts: intron variant (2).
Genome position (GRCh38, 1-based): chr7:128,400,827, C>A on the plus strand (G>T on the coding strand, the complement: IMPDH1 is on the minus strand). VCF-style: chr7-128400827-C-A. GRCh37 (hg19) VCF-style: chr7-128040881-C-A.
Other names: c.539G>T, p.Arg180Leu (NM_001102605.2); c.314G>T, p.Arg105Leu (NM_001142573.2); c.470G>T, p.Arg157Leu (NM_001142576.2); c.362G>T, p.Arg121Leu (NM_001304521.2); c.461G>T, p.Arg154Leu (NM_183243.3); c.249+188G>T (NM_001142575.2); c.309+5G>T (NM_001142574.2); short protein forms R105L, R121L, R180L, R154L, R157L, R190L.
Identifiers: ClinVar variation 1475257 (VCV001475257.9), dbSNP rs777909017, ClinGen allele CA4471123.

ClinVar aggregate classification (germline): Uncertain significance. Review status: criteria provided, multiple submitters, no conflicts (2 of 4 stars). 2 submissions from 2 submitters: Uncertain significance (2). Last evaluated 2022-06-13.

Allele frequency attached by ClinVar (database versions not stated): TOPMed below 0.00001.
gnomAD v4.1: 4 of 1,614,070 alleles (0.00025%); highest among the groups gnomAD compares: East Asian, 0.0067%; no homozygotes.

Submissions (2):

Labcorp Genetics (formerly Invitae), Labcorp
Classification: Uncertain significance. Last evaluated: 2022-06-13. Review status: criteria provided, single submitter. Criteria: Invitae Variant Classification Sherloc (09022015). Collection method: clinical testing. Allele origin: germline.
Comment: In summary, the available evidence is currently insufficient to determine the role of this variant in disease. Therefore, it has been classified as a Variant of Uncertain Significance. Algorithms developed to predict the effect of sequence changes on RNA splicing suggest that this variant may disrupt the consensus splice site. Algorithms developed to predict the effect of missense changes on protein structure and function (SIFT, PolyPhen-2, Align-GVGD) all suggest that this variant is likely to be tolerated. This missense change has been observed in individual(s) with retinitis pigmentosa (PMID: 25097241). This variant is present in population databases (rs777909017, gnomAD 0.02%). This sequence change replaces arginine, which is basic and polar, with leucine, which is neutral and non-polar, at codon 190 of the IMPDH1 protein (p.Arg190Leu).

Blueprint Genetics
Classification: Uncertain significance. Last evaluated: 2022-05-10. Review status: criteria provided, single submitter. Criteria: ACMG Guidelines, 2015. Collection method: clinical testing. Allele origin: germline.

Literature cited by the submitters: PubMed 25097241 (cited by Labcorp Genetics (formerly Invitae), Labcorp).